The following is an entry in ClinVar:

NM_006361.6(HOXB13):c.240T>C (p.Tyr80=)

Gene: HOXB13 (homeobox B13; minus strand). Cytogenetic location: 17q21.32.
Variant type: single nucleotide variant.
Coding change: c.240T>C on transcript NM_006361.6 (MANE Select); coding-DNA position 240, T replaced by C.
Protein change: p.Tyr80=; no amino-acid change (tyrosine 80 retained).
Molecular consequence: synonymous variant.
Genome position (GRCh38, 1-based): chr17:48,728,354, A>G on the plus strand (T>C on the coding strand, the complement: HOXB13 is on the minus strand). VCF-style: chr17-48728354-A-G. GRCh37 (hg19) VCF-style: chr17-46805716-A-G.
Identifiers: ClinVar variation 1625319 (VCV001625319.9), dbSNP rs1225811562, ClinGen allele CA500661996.

ClinVar aggregate classification (germline): Benign/Likely benign. Review status: criteria provided, multiple submitters, no conflicts (2 of 4 stars). 2 submissions from 2 submitters: Benign (1); Likely benign (1). Last evaluated 2025-04-03.

Conditions:
Prostate cancer, hereditary, 9 (HPC9). Identifiers: Orphanet 1331, MedGen C1970250, MONDO:0012597, OMIM 610997.

Submissions (2):

Labcorp Genetics (formerly Invitae), Labcorp
Classification: Likely benign. Last evaluated: 2025-04-03. Review status: criteria provided, single submitter. Criteria: Invitae Variant Classification Sherloc (09022015). Collection method: clinical testing. Allele origin: germline.

Myriad Genetics, Inc.
Classification: Benign for Prostate cancer, hereditary, 9. Last evaluated: 2024-10-29. Review status: criteria provided, single submitter. Criteria: Myriad Autosomal Dominant, Autosomal Recessive and X-Linked Classification Criteria (2023). Collection method: clinical testing. Allele origin: unknown.
Comment: This variant is considered benign. This variant is a silent/synonymous amino acid change and it is not expected to impact splicing.